The following is an entry in ClinVar:

NM_003923.3(FOXH1):c.643C>T (p.Pro215Ser)

Gene: FOXH1 (forkhead box H1; minus strand). Cytogenetic location: 8q24.3.
Variant type: single nucleotide variant.
Coding change: c.643C>T on transcript NM_003923.3 (MANE Select); coding-DNA position 643, C replaced by T.
Protein change: p.Pro215Ser; replaces proline 215 with serine.
Molecular consequence: missense variant.
Genome position (GRCh38, 1-based): chr8:144,474,693, G>A on the plus strand (C>T on the coding strand, the complement: FOXH1 is on the minus strand). VCF-style: chr8-144474693-G-A. GRCh37 (hg19) VCF-style: chr8-145700076-G-A.
Other names: short protein forms P215S.
Identifiers: ClinVar variation 4799011 (VCV004799011.1).

ClinVar aggregate classification (germline): Uncertain significance (1 of 4 stars; one submission).

Conditions:
Holoprosencephaly sequence (HPE). Also called: Holoprosencephaly. Identifiers: Orphanet 2162, MedGen C0079541, MONDO:0016296, HP:0001360.

Submission:

Labcorp Genetics (formerly Invitae), Labcorp
Classification: Uncertain significance for Holoprosencephaly sequence. Last evaluated: 2025-03-30. Review status: criteria provided, single submitter. Criteria: Invitae Variant Classification Sherloc (09022015). Collection method: clinical testing. Allele origin: germline.
Comment: This sequence change replaces proline, which is neutral and non-polar, with serine, which is neutral and polar, at codon 215 of the FOXH1 protein (p.Pro215Ser). The frequency data for this variant in the population databases is considered unreliable, as metrics indicate poor data quality at this position in the gnomAD database. This variant has not been reported in the literature in individuals affected with FOXH1-related conditions. Invitae Evidence Modeling of protein sequence and biophysical properties (such as structural, functional, and spatial information, amino acid conservation, physicochemical variation, residue mobility, and thermodynamic stability) indicates that this missense variant is not expected to disrupt FOXH1 protein function with a negative predictive value of 80%. In summary, the available evidence is currently insufficient to determine the role of this variant in disease. Therefore, it has been classified as a Variant of Uncertain Significance.